The following is an entry in ClinVar:

NM_000302.4(PLOD1):c.1511A>G (p.His504Arg)

Gene: PLOD1 (procollagen-lysine,2-oxoglutarate 5-dioxygenase 1; plus strand). Cytogenetic location: 1p36.22.
Variant type: single nucleotide variant.
Coding change: c.1511A>G on transcript NM_000302.4 (MANE Select); coding-DNA position 1511, A replaced by G.
Protein change: p.His504Arg; replaces histidine 504 with arginine.
Molecular consequence: missense variant.
Genome position (GRCh38, 1-based): chr1:11,965,520, A>G. VCF-style: chr1-11965520-A-G. GRCh37 (hg19) VCF-style: chr1-12025577-A-G.
Other names: c.1652A>G, p.His551Arg (NM_001316320.2); short protein forms H504R, H551R.
Identifiers: ClinVar variation 529349 (VCV000529349.10), dbSNP rs555034048, ClinGen allele CA18014170.

ClinVar aggregate classification (germline): Uncertain significance. Review status: criteria provided, multiple submitters, no conflicts (2 of 4 stars). 3 submissions from 3 submitters: Uncertain significance (3). Last evaluated 2024-07-04.

Conditions:
Ehlers-Danlos syndrome, kyphoscoliotic type 1 (EDSKSCL1). Also called: EHLERS-DANLOS SYNDROME, TYPE VIA; PLOD1-Related Kyphoscoliotic Ehlers-Danlos Syndrome; Ehlers-Danlos syndrome, hydroxylysine-deficient; EHLERS-DANLOS SYNDROME, OCULAR-SCOLIOTIC TYPE. Identifiers: Orphanet 1900, MedGen C0268342, MONDO:0016002, OMIM 225400. Disease mechanism: loss of function.
PLOD1-related disorder. Also called: PLOD1-related condition.
Familial thoracic aortic aneurysm and aortic dissection (TAAD). Also called: Thoracic aortic aneurysms and dissections. Identifiers: Orphanet 91387, MedGen C4707243, MONDO:0019625.

Allele frequency attached by ClinVar (database versions not stated): gnomAD exomes below 0.00001 and 0.00001; gnomAD 0.00001; 1000 Genomes Project 30x 0.00016; 1000 Genomes Project 0.00020.
gnomAD v4.1: 4 of 1,613,770 alleles (0.00025%); highest among the groups gnomAD compares: East Asian, 0.0045%; no homozygotes.

Submissions (3):

Ambry Genetics
Classification: Uncertain significance for Familial thoracic aortic aneurysm and aortic dissection. Last evaluated: 2024-07-04. Review status: criteria provided, single submitter. Criteria: Ambry Variant Classification Scheme 2023. Collection method: clinical testing. Allele origin: germline.
Comment: The p.H504R variant (also known as c.1511A>G), located in coding exon 14 of the PLOD1 gene, results from an A to G substitution at nucleotide position 1511. The histidine at codon 504 is replaced by arginine, an amino acid with highly similar properties. This amino acid position is conserved. In addition, this alteration is predicted to be tolerated by in silico analysis. Since supporting evidence is limited at this time, the clinical significance of this alteration remains unclear.

PreventionGenetics, part of Exact Sciences
Classification: Uncertain significance for PLOD1-related condition. Last evaluated: 2023-08-17. Review status: criteria provided, single submitter. Criteria: ACMG Guidelines, 2015. Collection method: clinical testing. Allele origin: germline.
Comment: The PLOD1 c.1511A>G variant is predicted to result in the amino acid substitution p.His504Arg. To our knowledge, this variant has not been reported in the literature. This variant is reported in 0.0054% of alleles in individuals of East Asian descent in gnomAD. At this time, the clinical significance of this variant is uncertain due to the absence of conclusive functional and genetic evidence.

Labcorp Genetics (formerly Invitae), Labcorp
Classification: Uncertain significance for Ehlers-Danlos syndrome, kyphoscoliotic type 1. Last evaluated: 2021-08-27. Review status: criteria provided, single submitter. Criteria: Invitae Variant Classification Sherloc (09022015). Collection method: clinical testing. Allele origin: germline.
Comment: This sequence change replaces histidine with arginine at codon 504 of the PLOD1 protein (p.His504Arg). The histidine residue is highly conserved and there is a small physicochemical difference between histidine and arginine. This variant is not present in population databases (ExAC no frequency). This variant has not been reported in the literature in individuals affected with PLOD1-related conditions. Algorithms developed to predict the effect of missense changes on protein structure and function output the following: SIFT: "Tolerated"; PolyPhen-2: "Benign"; Align-GVGD: "Class C0". The arginine amino acid residue is found in multiple mammalian species, which suggests that this missense change does not adversely affect protein function. In summary, the available evidence is currently insufficient to determine the role of this variant in disease. Therefore, it has been classified as a Variant of Uncertain Significance.